The following is an entry in ClinVar:

ClinVar aggregate classification (germline): Likely benign (1 of 4 stars; one submission).

Submission:

CeGaT Center for Human Genetics Tuebingen
Classification: Likely benign. Last evaluated: 2026-06-01. Review status: criteria provided, single submitter. Criteria: CeGaT Center For Human Genetics Tuebingen Variant Classification Criteria Version 2. Collection method: clinical testing. Allele origin: germline. Affected: yes. Observed: 14 variant alleles.
Comment: NACAD: PM2:Supporting, BP4, BP7

NM_001146334.2(NACAD):c.2112G>A (p.Thr704=)

Gene: NACAD (NAC alpha domain containing; minus strand). Cytogenetic location: 7p13.
Variant type: single nucleotide variant.
Coding change: c.2112G>A on transcript NM_001146334.2 (MANE Select); coding-DNA position 2112, G replaced by A.
Protein change: p.Thr704=; no amino-acid change (threonine 704 retained).
Molecular consequence: synonymous variant.
Genome position (GRCh38, 1-based): chr7:45,084,068, C>T on the plus strand (G>A on the coding strand, the complement: NACAD is on the minus strand). VCF-style: chr7-45084068-C-T. GRCh37 (hg19) VCF-style: chr7-45123667-C-T.
Identifiers: ClinVar variation 2657447 (VCV002657447.24), dbSNP rs1784472187, ClinGen allele CA455151788.